The following is an entry in ClinVar:

ClinVar aggregate classification (germline): Benign/Likely benign. Review status: criteria provided, multiple submitters, no conflicts (2 of 4 stars). 13 submissions from 13 submitters: Benign (6); Likely benign (4). 3 of the submissions do not count toward it. Last evaluated 2026-08-01.

Conditions:
Usher syndrome type 2C. Also called: Usher syndrome, type 2B; USHER SYNDROME, TYPE IIC. Identifiers: Orphanet 231178, Orphanet 886, MedGen C2931213, MONDO:0011558, OMIM 605472.

Allele frequency attached by ClinVar (database versions not stated): 1000 Genomes Project 30x 0.00328; gnomAD exomes 0.00461 and 0.00657; ESP Exome Variant Server 0.00499; gnomAD 0.00500 and 0.00493; ExAC 0.00483; 1000 Genomes Project 0.00300; TOPMed 0.00507.
gnomAD v4.1: 10,266 of 1,608,794 alleles (0.64%); highest among the groups gnomAD compares: Non-Finnish European, 0.77%; 53 homozygotes.

Submissions (18):

CeGaT Center for Human Genetics Tuebingen
Classification: Likely benign. Last evaluated: 2026-08-01. Review status: criteria provided, single submitter. Criteria: CeGaT Center For Human Genetics Tuebingen Variant Classification Criteria Version 2. Collection method: clinical testing. Allele origin: germline. Affected: yes. Observed: 21 variant alleles.
Comment: ADGRV1: BP4, BS2

Labcorp Genetics (formerly Invitae), Labcorp
Classification: Benign. Last evaluated: 2026-02-04. Review status: criteria provided, single submitter. Criteria: Invitae Variant Classification Sherloc (09022015). Collection method: clinical testing. Allele origin: germline.

Women's Health and Genetics/Laboratory Corporation of America, LabCorp
Classification: Likely benign. Last evaluated: 2025-10-28. Review status: criteria provided, single submitter. Criteria: LabCorp Variant Classification Summary - May 2015. Collection method: clinical testing. Allele origin: germline.

Illumina Laboratory Services, Illumina
Classification: Benign for Usher syndrome type 2C. Last evaluated: 2025-04-08. Review status: criteria provided, single submitter. Criteria: ICSLVariantClassificationCriteria RUGD 01 April 2020. Collection method: clinical testing. Allele origin: unknown.

Blueprint Genetics
Classification: Likely benign. Last evaluated: 2024-11-21. Review status: criteria provided, single submitter. Criteria: ACMG Guidelines, 2015. Collection method: clinical testing. Allele origin: germline.

Athena Diagnostics
Classification: Benign. Last evaluated: 2024-10-16. Review status: criteria provided, single submitter. Criteria: Athena Diagnostics Criteria. Collection method: clinical testing. Allele origin: unknown.

GeneDx
Classification: Benign. Last evaluated: 2018-04-24. Review status: criteria provided, single submitter. Criteria: GeneDx Variant Classification (06012015). Collection method: clinical testing. Allele origin: germline. Affected: yes.
Comment: This variant is considered likely benign or benign based on one or more of the following criteria: it is a conservative change, it occurs at a poorly conserved position in the protein, it is predicted to be benign by multiple in silico algorithms, and/or has population frequency not consistent with disease.

Genetic Services Laboratory, University of Chicago
Classification: Likely benign. Last evaluated: 2015-05-18. Review status: criteria provided, single submitter. Criteria: ACMG Guidelines, 2015. Collection method: clinical testing. Allele origin: germline.

Eurofins Ntd Llc (ga)
Classification: Benign. Last evaluated: 2014-06-13. Review status: criteria provided, single submitter. Criteria: EGL Classification Definitions 2015. Collection method: clinical testing. Allele origin: germline. Observed: 2 variant alleles, 2 heterozygotes.

Laboratory for Molecular Medicine, Mass General Brigham Personalized Medicine
Classification: Benign. Last evaluated: 2012-04-30. Review status: criteria provided, single submitter. Criteria: LMM Criteria. Collection method: clinical testing. Allele origin: germline. Observed: 29 variant alleles.
Comment: Ile1647Val in Exon 23 of GPR98: This variant is not expected to have clinical si gnificance because it has been identified in 0.7% (43/6558) of European American chromosomes from a broad population by the NHLBI Exome Sequencing Project (dbSNP rs72782753).

Clinical Genetics DNA and cytogenetics Diagnostics Lab, Erasmus MC, Erasmus Medical Center
Classification: Likely benign. Review status: no assertion criteria provided. Collection method: clinical testing. Allele origin: germline. Affected: yes. Study: VKGL Data-share Consensus. Not counted in ClinVar's aggregate classification.

Clinical Genetics, Academic Medical Center
Classification: Benign. Review status: no assertion criteria provided. Collection method: clinical testing. Allele origin: germline. Affected: yes. Study: VKGL Data-share Consensus. Not counted in ClinVar's aggregate classification.

Dr. Peter K. Rogan Lab, Western University
No classification provided (evidence only). Condition: Clear cell carcinoma of kidney. Review status: no classification provided. Collection method: in vitro. Allele origin: not applicable. Functional consequence: retained intron. Not counted in ClinVar's aggregate classification.

Dr. Peter K. Rogan Lab, Western University
No classification provided (evidence only). Condition: Sarcoma. Review status: no classification provided. Collection method: in vitro. Allele origin: not applicable. Functional consequence: retained intron. Not counted in ClinVar's aggregate classification.

Dr. Peter K. Rogan Lab, Western University
No classification provided (evidence only). Condition: Nonpapillary renal cell carcinoma. Review status: no classification provided. Collection method: in vitro. Allele origin: not applicable. Functional consequence: retained intron. Not counted in ClinVar's aggregate classification.

Dr. Peter K. Rogan Lab, Western University
No classification provided (evidence only). Condition: Ovarian serous cystadenocarcinoma. Review status: no classification provided. Collection method: in vitro. Allele origin: not applicable. Functional consequence: retained intron. Not counted in ClinVar's aggregate classification.

Dr. Peter K. Rogan Lab, Western University
No classification provided (evidence only). Condition: Adrenocortical carcinoma, hereditary. Review status: no classification provided. Collection method: in vitro. Allele origin: not applicable. Functional consequence: retained intron. Not counted in ClinVar's aggregate classification.

Genome Diagnostics Laboratory, University Medical Center Utrecht
Classification: Benign. Review status: no assertion criteria provided. Collection method: clinical testing. Allele origin: germline. Affected: yes. Study: VKGL Data-share Consensus. Not counted in ClinVar's aggregate classification.

Literature cited by the submitters: PubMed 32707200 (cited by Athena Diagnostics); PubMed 33546218 (cited by Athena Diagnostics).

NM_032119.4(ADGRV1):c.4939A>G (p.Ile1647Val)

Gene: ADGRV1 (adhesion G protein-coupled receptor V1; plus strand). Cytogenetic location: 5q14.3.
Variant type: single nucleotide variant.
Coding change: c.4939A>G on transcript NM_032119.4 (MANE Select); coding-DNA position 4939, A replaced by G.
Protein change: p.Ile1647Val; replaces isoleucine 1647 with valine.
Molecular consequence: missense variant. On other transcripts: non-coding transcript variant (1).
Genome position (GRCh38, 1-based): chr5:90,674,063, A>G. VCF-style: chr5-90674063-A-G. GRCh37 (hg19) VCF-style: chr5-89969880-A-G.
Other names: short protein forms I1647V.
Identifiers: ClinVar variation 46331 (VCV000046331.74), dbSNP rs72782753, ClinGen allele CA138136.
Genomic context (GRCh38, chr5:90,674,063, plus strand): 5'-TAATTTCTAAATGCCTCATTGCTTAGTGCCTCTGGATATTTATATTTTTAGGTTCTGAAT[A>G]TATATGTTCTTGATGATGATATTCCTGAACTTAATGAGTATTTCCGTGTGACATTGGTTT-3'
Protein context (NP_115495.3, residues 1637-1657): LPWQRSEVLN[Ile1647Val]YVLDDDIPEL